The following is an entry in ClinVar:

NM_001164508.2(NEB):c.17047G>A (p.Ala5683Thr)

Gene: NEB (nebulin; minus strand). Cytogenetic location: 2q23.3.
Variant type: single nucleotide variant.
Coding change: c.17047G>A on transcript NM_001164508.2 (MANE Select); coding-DNA position 17047, G replaced by A.
Protein change: p.Ala5683Thr; replaces alanine 5683 with threonine.
Molecular consequence: missense variant.
Genome position (GRCh38, 1-based): chr2:151,570,568, C>T on the plus strand (G>A on the coding strand, the complement: NEB is on the minus strand). VCF-style: chr2-151570568-C-T. GRCh37 (hg19) VCF-style: chr2-152427082-C-T.
Other names: c.17047G>A, p.Ala5683Thr (NM_001164507.2, NM_001271208.2); c.11944G>A, p.Ala3982Thr (NM_004543.5); short protein forms A3982T, A5683T.
Identifiers: ClinVar variation 2106946 (VCV002106946.4), dbSNP rs2552196192, ClinGen allele CA348808789.
Genomic context (GRCh38, chr2:151,570,568, plus strand): 5'-TCTCCCTGGAGGCCTTGGCAGCCTGGATGGGGATGGCATCCAGCCGGACATCACAGCCCG[C>T]CTTCATTTCATCCCAGCCCTCACGGTAAAGTTTCTGAAAAGGAGAAAAATAAGGTATCAT-3'
Protein context (NP_001157980.2, residues 5673-5693): LYREGWDEMK[Ala5683Thr]GCDVRLDAIP

ClinVar aggregate classification (germline): Uncertain significance. Review status: criteria provided, multiple submitters, no conflicts (2 of 4 stars). 2 submissions from 2 submitters: Uncertain significance (2). Last evaluated 2022-03-04.

Conditions:
Nemaline myopathy 2 (NEM2). Also called: Nemaline myopathy 2, autosomal recessive. Identifiers: MedGen C1850569, MONDO:0009725, OMIM 256030.

Submissions (2):

Labcorp Genetics (formerly Invitae), Labcorp
Classification: Uncertain significance for Nemaline myopathy 2. Last evaluated: 2022-03-04. Review status: criteria provided, single submitter. Criteria: Invitae Variant Classification Sherloc (09022015). Collection method: clinical testing. Allele origin: germline.
Comment: This sequence change replaces alanine, which is neutral and non-polar, with threonine, which is neutral and polar, at codon 5683 of the NEB protein (p.Ala5683Thr). This variant is not present in population databases (gnomAD no frequency). This variant has not been reported in the literature in individuals affected with NEB-related conditions. Algorithms developed to predict the effect of missense changes on protein structure and function are either unavailable or do not agree on the potential impact of this missense change (SIFT: "Tolerated"; PolyPhen-2: "Not Available"; Align-GVGD: "Class C0"). In summary, the available evidence is currently insufficient to determine the role of this variant in disease. Therefore, it has been classified as a Variant of Uncertain Significance.

Revvity Omics, Revvity
Classification: Uncertain significance. Last evaluated: 2019-05-01. Review status: criteria provided, single submitter. Criteria: ACMG Guidelines, 2015. Collection method: clinical testing. Allele origin: germline.